The following is an entry in ClinVar:

NM_001253852.3(AP4B1):c.1216C>T (p.Arg406Ter)

Genes: AP4B1 (adaptor related protein complex 4 subunit beta 1; minus strand), AP4B1-AS1 (AP4B1 antisense RNA 1; plus strand). Cytogenetic location: 1p13.2.
Variant type: single nucleotide variant.
Coding change: c.1216C>T on transcript NM_001253852.3 (MANE Select); coding-DNA position 1216, C replaced by T.
Protein change: p.Arg406Ter; replaces arginine 406 with a stop codon.
Molecular consequence: nonsense. On other transcripts: non-coding transcript variant (2).
Genome position (GRCh38, 1-based): chr1:113,897,926, G>A on the plus strand (C>T on the coding strand, the complement: AP4B1 is on the minus strand). VCF-style: chr1-113897926-G-A. GRCh37 (hg19) VCF-style: chr1-114440548-G-A.
Other names: c.919C>T, p.Arg307Ter (NM_001253853.3); c.712C>T, p.Arg238Ter (NM_001308312.2); c.1216C>T, p.Arg406Ter (NM_006594.5); short protein forms R406*, R238*, R307*.
Identifiers: ClinVar variation 422147 (VCV000422147.20), dbSNP rs776976178, ClinGen allele CA1015854.

ClinVar aggregate classification (germline): Pathogenic/Likely pathogenic. Review status: criteria provided, multiple submitters, no conflicts (2 of 4 stars). 9 submissions from 9 submitters: Pathogenic (4); Likely pathogenic (2). 3 of the submissions do not count toward it. Last evaluated 2025-07-15.

Conditions:
Hereditary spastic paraplegia 47. Also called: CEREBRAL PALSY, SPASTIC QUADRIPLEGIC, 5; Spastic paraplegia 47, autosomal recessive; adaptor protein 4 (AP-4) deficiency syndrome. Identifiers: Orphanet 280763, MedGen C3279738, MONDO:0013551, OMIM 614066.
Hereditary spastic paraplegia. Also called: Familial spastic paraparesis. Identifiers: Orphanet 685, MedGen C0037773, MONDO:0019064. Disease mechanism: loss of function.
AP4B1-related disorder. Also called: AP4B1-related condition.
Spastic paraplegia. Identifiers: MedGen C0037772, HP:0001258.

Allele frequency attached by ClinVar (database versions not stated): TOPMed below 0.00001; gnomAD 0.00001; ExAC 0.00012.

Submissions (9):

Labcorp Genetics (formerly Invitae), Labcorp
Classification: Pathogenic for Hereditary spastic paraplegia 47. Last evaluated: 2025-07-15. Review status: criteria provided, single submitter. Criteria: Invitae Variant Classification Sherloc (09022015). Collection method: clinical testing. Allele origin: germline.
Comment: This sequence change creates a premature translational stop signal (p.Arg406*) in the AP4B1 gene. It is expected to result in an absent or disrupted protein product. Loss-of-function variants in AP4B1 are known to be pathogenic (PMID: 22290197, 24700674, 24781758). This variant is present in population databases (rs776976178, gnomAD 0.01%). This premature translational stop signal has been observed in individuals with hereditary spastic paraplegia (PMID: 29193663). ClinVar contains an entry for this variant (Variation ID: 422147). For these reasons, this variant has been classified as Pathogenic.

Genome-Nilou Lab
Classification: Likely pathogenic for Hereditary spastic paraplegia 47. Last evaluated: 2023-04-11. Review status: criteria provided, single submitter. Criteria: ACMG Guidelines, 2015. Collection method: clinical testing. Allele origin: germline. Affected: no.

GeneDx
Classification: Pathogenic. Last evaluated: 2023-03-28. Review status: criteria provided, single submitter. Criteria: GeneDx Variant Classification Process June 2021. Collection method: clinical testing. Allele origin: germline. Affected: yes.
Comment: Nonsense variant predicted to result in protein truncation or nonsense mediated decay in a gene for which loss of function is a known mechanism of disease; Not observed at significant frequency in large population cohorts (gnomAD); This variant is associated with the following publications: (PMID: 35379322, 33594065, 34426522, 35599849, 33294911, 31915823, 31525725, 29193663)

Blueprint Genetics
Classification: Pathogenic for AP4B1-related disorders. Last evaluated: 2023-01-20. Review status: criteria provided, single submitter. Criteria: ACMG Guidelines, 2015. Collection method: clinical testing. Allele origin: germline. Affected: yes. Observed: 2 variant alleles.

Victorian Clinical Genetics Services, Murdoch Childrens Research Institute
Classification: Pathogenic for Hereditary spastic paraplegia 47. Last evaluated: 2022-02-02. Review status: criteria provided, single submitter. Criteria: ACMG Guidelines, 2015. Collection method: clinical testing. Allele origin: germline. Inheritance: Autosomal recessive inheritance. Affected: yes.
Comment: Based on the classification scheme VCGS_Germline_v1.3.4, this variant is classified as Pathogenic. Following criteria are met: 0102 - Loss of function is a known mechanism of disease in this gene and is associated with spastic paraplegia 47 (MIM#614066). (I) 0106 - This gene is associated with autosomal recessive disease. (I) 0201 - Variant is predicted to cause nonsense-mediated decay (NMD) and loss of protein (premature termination codon is located at least 54 nucleotides upstream of the final exon-exon junction). (SP) 0251 - This variant is heterozygous. (I) 0304 - Variant is present in gnomAD (v2) <0.01 for a recessive condition (14 heterozygotes, 0 homozygotes). (SP) 0701 - Many NMD predicted variants comparable to the one identified in this case have very strong previous evidence for pathogenicity (ClinVar). (SP) 0801 - This variant has strong previous evidence of pathogenicity in unrelated individuals. This variant has been reported in multiple individuals with spastic paraplegia 47 (ClinVar, PMID: 29193663, 33594065). (SP) 1208 - Inheritance information for this variant is not currently available in this individual. (I) Legend: (SP) - Supporting pathogenic, (I) - Information, (SB) - Supporting benign

Genome Diagnostics Laboratory, The Hospital for Sick Children
Classification: Likely pathogenic for Hereditary spastic paraplegia. Last evaluated: 2017-01-31. Review status: criteria provided, single submitter. Criteria: ACMG Guidelines, 2015. Collection method: clinical testing. Allele origin: germline. Affected: yes.

Yale Center for Mendelian Genomics, Yale University
Classification: Likely pathogenic for Spastic paraplegia. Last evaluated: 2020-10-01. Review status: no assertion criteria provided. Collection method: literature only. Allele origin: germline. Affected: yes. Observed: 2 compound heterozygotes. Study: Yale Center for Mendelian Genomics. Not counted in ClinVar's aggregate classification.

Genetics and Genomic Medicine Centre, NeuroGen Healthcare, NeuroGen Healthcare
Classification: Pathogenic. Last evaluated: 2020-04-26. Review status: no assertion criteria provided. Collection method: clinical testing. Allele origin: unknown. Affected: yes. Not counted in ClinVar's aggregate classification.

Molecular Genetics Laboratory, BC Children's and BC Women's Hospitals
Classification: Likely pathogenic for Hereditary spastic paraplegia 47. Last evaluated: 2017-01-04. Review status: no assertion criteria provided. Criteria: ACMG Guidelines, 2015. Collection method: clinical testing. Allele origin: germline. Affected: yes. Not counted in ClinVar's aggregate classification.

Literature cited by the submitters: PubMed 22290197 (cited by Labcorp Genetics (formerly Invitae), Labcorp); PubMed 24700674 (cited by Labcorp Genetics (formerly Invitae), Labcorp); PubMed 24781758 (cited by Labcorp Genetics (formerly Invitae), Labcorp); PubMed 29193663 (cited by Labcorp Genetics (formerly Invitae), Labcorp and Victorian Clinical Genetics Services, Murdoch Childrens Research Institute); PubMed 33594065 (cited by Victorian Clinical Genetics Services, Murdoch Childrens Research Institute); PubMed 32979048 (cited by Yale Center for Mendelian Genomics, Yale University).